The following is an entry in ClinVar:

NM_001204.7(BMPR2):c.1141A>G (p.Arg381Gly)

Gene: BMPR2 (bone morphogenetic protein receptor type 2; plus strand). Cytogenetic location: 2q33.2.
Variant type: single nucleotide variant.
Coding change: c.1141A>G on transcript NM_001204.7 (MANE Select); coding-DNA position 1141, A replaced by G.
Protein change: p.Arg381Gly; replaces arginine 381 with glycine.
Molecular consequence: missense variant.
Genome position (GRCh38, 1-based): chr2:202,532,597, A>G. VCF-style: chr2-202532597-A-G. GRCh37 (hg19) VCF-style: chr2-203397320-A-G.
Other names: short protein forms R381G.
Identifiers: ClinVar variation 3992091 (VCV003992091.1).
Genomic context (GRCh38, chr2:202,532,597, plus strand): 5'-AGAATATGCTACGTTCTCTCTCTAAAAAATATCACTCTAATTTATCAGGTTGGCACTATC[A>G]GATATATGGCACCAGAAGTGCTAGAAGGAGCTGTGAACTTGAGGGACTGTGAATCAGCTT-3'
Protein context (NP_001195.2, residues 371-391): NAAISEVGTI[Arg381Gly]YMAPEVLEGA

ClinVar aggregate classification (germline): Uncertain significance (1 of 4 stars; one submission).

Conditions:
Inborn genetic diseases. Identifiers: MedGen C0950123, MeSH D030342.

Submission:

Ambry Genetics
Classification: Uncertain significance for Inborn genetic diseases. Last evaluated: 2025-04-03. Review status: criteria provided, single submitter. Criteria: Ambry Variant Classification Scheme 2023. Collection method: clinical testing. Allele origin: germline.
Comment: The p.R381G variant (also known as c.1141A>G), located in coding exon 9 of the BMPR2 gene, results from an A to G substitution at nucleotide position 1141. The arginine at codon 381 is replaced by glycine, an amino acid with dissimilar properties. This amino acid position is conserved. In addition, this alteration is predicted to be deleterious by in silico analysis. Based on the available evidence, the clinical significance of this variant remains unclear.